The following is an entry in ClinVar:

ClinVar aggregate classification (germline): Benign (1 of 4 stars; one submission).

Conditions:
SYNM-related disorder. Also called: SYNM-related condition.

Submission:

PreventionGenetics, part of Exact Sciences
Classification: Benign for SYNM-related condition. Last evaluated: 2019-05-17. Review status: criteria provided, single submitter. Criteria: ACMG Guidelines, 2015. Collection method: clinical testing. Allele origin: germline.
Comment: This variant is classified as benign based on ACMG/AMP sequence variant interpretation guidelines (Richards et al. 2015 PMID: 25741868, with internal and published modifications).

NM_145728.3(SYNM):c.1595C>T (p.Ser532Phe)

Gene: SYNM (synemin; plus strand). Cytogenetic location: 15q26.3.
Variant type: single nucleotide variant.
Coding change: c.1595C>T on transcript NM_145728.3 (MANE Select); coding-DNA position 1595, C replaced by T.
Protein change: p.Ser532Phe; replaces serine 532 with phenylalanine.
Molecular consequence: missense variant.
Genome position (GRCh38, 1-based): chr15:99,129,955, C>T. VCF-style: chr15-99129955-C-T. GRCh37 (hg19) VCF-style: chr15-99670160-C-T.
Other names: c.1595C>T, p.Ser532Phe (NM_015286.6); short protein forms S532F.
Identifiers: ClinVar variation 3035351 (VCV003035351.1), dbSNP rs2543112328, ClinGen allele CA393676823.